The following is an entry in ClinVar:

NM_152564.5(VPS13B):c.4169G>A (p.Gly1390Asp)

Gene: VPS13B (vacuolar protein sorting 13 homolog B; plus strand). Cytogenetic location: 8q22.2.
Variant type: single nucleotide variant.
Coding change: c.4169G>A on transcript NM_152564.5 (MANE Select); coding-DNA position 4169, G replaced by A.
Protein change: p.Gly1390Asp; replaces glycine 1390 with aspartic acid.
Molecular consequence: missense variant. On other transcripts: intron variant (1).
Genome position (GRCh38, 1-based): chr8:99,507,148, G>A. VCF-style: chr8-99507148-G-A. GRCh37 (hg19) VCF-style: chr8-100519376-G-A.
Other names: c.4158-622G>A (NM_017890.5); short protein forms G1390D.
Identifiers: ClinVar variation 5003877 (VCV005003877.1).

ClinVar aggregate classification (germline): Uncertain significance (1 of 4 stars; one submission).

Conditions:
Cohen syndrome (COH1). Also called: Cutis verticis gyrata, retinitis pigmentosa, and sensorineural deafness; PEPPER SYNDROME. Identifiers: Orphanet 193, MedGen C0265223, MONDO:0008999, OMIM 216550.

gnomAD v4.1: 1 of 1,613,984 alleles (0.000062%); highest among the groups gnomAD compares: Middle Eastern, 0.017%; no homozygotes.

Submission:

Myriad Genetics, Inc.
Classification: Uncertain significance for Cohen syndrome. Last evaluated: 2025-09-25. Review status: criteria provided, single submitter. Criteria: Myriad Autosomal Dominant, Autosomal Recessive and X-Linked Classification Criteria (2023). Collection method: clinical testing. Allele origin: unknown.
Comment: NM_017890.4(VPS13B):c.4158-622G>A is an intronic variant classified as a variant of uncertain significance in the context of Cohen syndrome. c.4158-622G>A has not been observed in cases with relevant disease. Relevant functional assessments of this variant are not available in the literature. c.4158-622G>A has not been observed in referenced population frequency databases. In summary, there is insufficient evidence to classify NM_017890.4(VPS13B):c.4158-622G>A as pathogenic or benign. Please note: this variant was assessed in the context of healthy population screening.